The following is an entry in ClinVar:

ClinVar aggregate classification (germline): Likely pathogenic (0 of 4 stars; one submission).

Conditions:
Macrothrombocytopenia and granulocyte inclusions with or without nephritis or sensorineural hearing loss (MATINS). Also called: MYH9-Related Disease (MYH9-RD); MACROTHROMBOCYTOPENIA WITH LEUKOCYTE INCLUSIONS; BLEEDING DISORDER, PLATELET-TYPE, 6; SEBASTIAN PLATELET SYNDROME; MACROTHROMBOCYTOPENIA WITH DISPERSED LEUKOCYTIC INCLUSIONS; MACROTHROMBOCYTOPENIA, NEPHRITIS, AND DEAFNESS. Identifiers: Orphanet 182050, MedGen C5200934, MONDO:0015912, OMIM 155100.

Submission:

ISTH-SSC Genomics in Thrombosis and Hemostasis, KU Leuven, Center for Molecular and Vascular Biology
Classification: Likely pathogenic for Macrothrombocytopenia and granulocyte inclusions with or without nephritis or sensorineural hearing loss. Review status: no assertion criteria provided. Collection method: research. Allele origin: unknown. Affected: yes.
Comment: Submitted to GoldVariant by Dr Karyn Mégy from NIHR Bioresource - Cambridge University, UK

NM_002473.6(MYH9):c.284C>T (p.Ala95Val)

Gene: MYH9 (myosin heavy chain 9; minus strand). Cytogenetic location: 22q12.3.
Variant type: single nucleotide variant.
Coding change: c.284C>T on transcript NM_002473.6 (MANE Select); coding-DNA position 284, C replaced by T.
Protein change: p.Ala95Val; replaces alanine 95 with valine.
Molecular consequence: missense variant.
Genome position (GRCh38, 1-based): chr22:36,348,953, G>A on the plus strand (C>T on the coding strand, the complement: MYH9 is on the minus strand). VCF-style: chr22-36348953-G-A. GRCh37 (hg19) VCF-style: chr22-36744998-G-A.
Other names: short protein forms A95V.
Identifiers: ClinVar variation 1684327 (VCV001684327.1), dbSNP rs2146392811, ClinGen allele CA411549123.